The following is an entry in ClinVar:

NM_007194.4(CHEK2):c.454C>T (p.Pro152Ser)

Gene: CHEK2 (checkpoint kinase 2; minus strand). Cytogenetic location: 22q12.1.
Variant type: single nucleotide variant.
Coding change: c.454C>T on transcript NM_007194.4 (MANE Select); coding-DNA position 454, C replaced by T.
Protein change: p.Pro152Ser; replaces proline 152 with serine.
Molecular consequence: missense variant. On other transcripts: 5 prime UTR variant (2), intron variant (1).
Genome position (GRCh38, 1-based): chr22:28,725,115, G>A on the plus strand (C>T on the coding strand, the complement: CHEK2 is on the minus strand). VCF-style: chr22-28725115-G-A. GRCh37 (hg19) VCF-style: chr22-29121103-G-A.
Other names: c.583C>T, p.Pro195Ser (NM_001005735.3, NM_001438294.1); c.-324C>T (NM_001257387.3); c.-210C>T (NM_001437942.1); c.547C>T, p.Pro183Ser (NM_001438293.1, NM_001438295.1); c.454C>T, p.Pro152Ser (NM_145862.3); c.444+128C>T (NM_001349956.3); short protein forms P152S, P195S, P183S.
Identifiers: ClinVar variation 2135751 (VCV002135751.5), dbSNP rs2146061931, ClinGen allele CA411107732.

ClinVar aggregate classification (germline): Uncertain significance. Review status: criteria provided, multiple submitters, no conflicts (2 of 4 stars). 2 submissions from 2 submitters: Uncertain significance (2). Last evaluated 2025-03-11.

Conditions:
Hereditary cancer-predisposing syndrome. Also called: Hereditary neoplastic syndrome; Hereditary Cancer Syndrome; Tumor predisposition; Neoplastic Syndromes, Hereditary. Identifiers: Orphanet 140162, MedGen C0027672, MeSH D009386, MONDO:0015356.
Familial cancer of breast. Also called: Hereditary breast cancer; BREAST CANCER, FAMILIAL; hereditary breast carcinoma. Identifiers: Orphanet 227535, MedGen C0346153, MONDO:0016419, OMIM 114480. Disease mechanism: loss of function.

Submissions (2):

Labcorp Genetics (formerly Invitae), Labcorp
Classification: Uncertain significance for Familial cancer of breast. Last evaluated: 2025-03-11. Review status: criteria provided, single submitter. Criteria: Invitae Variant Classification Sherloc (09022015). Collection method: clinical testing. Allele origin: germline.
Comment: This sequence change replaces proline, which is neutral and non-polar, with serine, which is neutral and polar, at codon 152 of the CHEK2 protein (p.Pro152Ser). This variant is not present in population databases (gnomAD no frequency). This variant has not been reported in the literature in individuals affected with CHEK2-related conditions. ClinVar contains an entry for this variant (Variation ID: 2135751). An algorithm developed to predict the effect of missense changes on protein structure and function (PolyPhen-2) suggests that this variant is likely to be tolerated. In summary, the available evidence is currently insufficient to determine the role of this variant in disease. Therefore, it has been classified as a Variant of Uncertain Significance.

Ambry Genetics
Classification: Uncertain significance for Hereditary cancer-predisposing syndrome. Last evaluated: 2023-12-19. Review status: criteria provided, single submitter. Criteria: Ambry Variant Classification Scheme 2023. Collection method: clinical testing. Allele origin: germline.
Comment: The p.P152S variant (also known as c.454C>T), located in coding exon 3 of the CHEK2 gene, results from a C to T substitution at nucleotide position 454. The proline at codon 152 is replaced by serine, an amino acid with similar properties. This amino acid position is well conserved in available vertebrate species. In addition, this alteration is predicted to be deleterious by in silico analysis. Since supporting evidence is limited at this time, the clinical significance of this alteration remains unclear.